The following is an entry in ClinVar:

NM_001114748.2(TMEM240):c.347G>A (p.Arg116His)

Gene: TMEM240 (transmembrane protein 240; minus strand). Cytogenetic location: 1p36.33.
Variant type: single nucleotide variant.
Coding change: c.347G>A on transcript NM_001114748.2 (MANE Select); coding-DNA position 347, G replaced by A.
Protein change: p.Arg116His; replaces arginine 116 with histidine.
Molecular consequence: missense variant.
Genome position (GRCh38, 1-based): chr1:1,535,615, C>T on the plus strand (G>A on the coding strand, the complement: TMEM240 is on the minus strand). VCF-style: chr1-1535615-C-T. GRCh37 (hg19) VCF-style: chr1-1470995-C-T.
Other names: short protein forms R116H.
Identifiers: ClinVar variation 2367852 (VCV002367852.6), dbSNP rs749750055, ClinGen allele CA526677.
Genomic context (GRCh38, chr1:1,535,615, plus strand): 5'-CAGCACTCCCGGGCGGCGGGCACGAGGCACTCACCGTAGCGCCGTCCGGCTCTCCAGGCG[C>T]GCACGGCGCAGTGCAGGACGCCGTCCATCCACACCAGGAACCAGCTGATGCAAAAGCCCA-3'
Protein context (NP_001108220.1, residues 106-126): WMDGVLHCAV[Arg116His]AWRAGRRYDG

ClinVar aggregate classification (germline): Uncertain significance. Review status: criteria provided, multiple submitters, no conflicts (2 of 4 stars). 3 submissions from 3 submitters: Uncertain significance (3). Last evaluated 2025-03-18.

Conditions:
TMEM240-related disorder. Also called: TMEM240-related condition.
Inborn genetic diseases. Identifiers: MedGen C0950123, MeSH D030342.

Allele frequency attached by ClinVar (database versions not stated): gnomAD exomes 0.00002; gnomAD 0.00005; TOPMed 0.00005.

Submissions (3):

PreventionGenetics, part of Exact Sciences
Classification: Uncertain significance for TMEM240-related condition. Last evaluated: 2025-03-18. Review status: criteria provided, single submitter. Criteria: ACMG Guidelines, 2015. Collection method: clinical testing. Allele origin: germline.
Comment: The TMEM240 c.347G>A variant is predicted to result in the amino acid substitution p.Arg116His. To our knowledge, this variant has not been reported in the literature; however, it has been reported in 0.0061% of alleles in individuals of African descent in gnomAD. A different missense substitution at the same amino acid residue (p.Arg116Cys) has been reported de novo in an individual with spinocerebellar ataxia (Delplanque et al. 2014. PubMed ID: 25070513) and shown to cause reduced dendrite length and branching as well as impaired motor function in an in vivo mouse model (Seki et al. 2018. PubMed ID: 30184469; Ohta et al. 2021. PubMed ID: 34157318). Therefore, although we suspect that the p.Arg116His variant may be pathogenic, the clinical significance of this variant is uncertain at this time in the absence of conclusive functional and genetic evidence.

Labcorp Genetics (formerly Invitae), Labcorp
Classification: Uncertain significance. Last evaluated: 2023-08-17. Review status: criteria provided, single submitter. Criteria: Invitae Variant Classification Sherloc (09022015). Collection method: clinical testing. Allele origin: germline.
Comment: This variant has not been reported in the literature in individuals affected with TMEM240-related conditions. In summary, the available evidence is currently insufficient to determine the role of this variant in disease. Therefore, it has been classified as a Variant of Uncertain Significance. This variant disrupts the p.Arg116 amino acid residue in TMEM240. Other variant(s) that disrupt this residue have been determined to be pathogenic (PMID: 25070513, 30184469). This suggests that this residue is clinically significant, and that variants that disrupt this residue are likely to be disease-causing. An algorithm developed to predict the effect of missense changes on protein structure and function (PolyPhen-2) suggests that this variant is likely to be disruptive. ClinVar contains an entry for this variant (Variation ID: 2367852). The frequency data for this variant in the population databases is considered unreliable, as metrics indicate poor data quality at this position in the gnomAD database. This sequence change replaces arginine, which is basic and polar, with histidine, which is basic and polar, at codon 116 of the TMEM240 protein (p.Arg116His).

Ambry Genetics
Classification: Uncertain significance for Inborn genetic diseases. Last evaluated: 2022-05-11. Review status: criteria provided, single submitter. Criteria: Ambry Variant Classification Scheme 2023. Collection method: clinical testing. Allele origin: germline.

Literature cited by the submitters: PubMed 25070513 (cited by Labcorp Genetics (formerly Invitae), Labcorp); PubMed 30184469 (cited by Labcorp Genetics (formerly Invitae), Labcorp).